The following is an entry in ClinVar:

ClinVar aggregate classification (germline): Uncertain significance. Review status: criteria provided, multiple submitters, no conflicts (2 of 4 stars). 2 submissions from 2 submitters: Uncertain significance (2). Last evaluated 2025-06-23.

Conditions:
Immunodeficiency, common variable, 12 (CVID12). Also called: IMMUNODEFICIENCY, COMMON VARIABLE, 12, WITH AUTOIMMUNITY; NFKB1 DEFICIENCY. Identifiers: Orphanet 1572, Orphanet 696874, MedGen C4225277, MONDO:0014697, OMIM 616576.
Inborn genetic diseases. Identifiers: MedGen C0950123, MeSH D030342.

gnomAD v4.1: 3 of 1,613,670 alleles (0.00019%); highest among the groups gnomAD compares: Non-Finnish European, 0.00025%; no homozygotes.

Submissions (2):

Ambry Genetics
Classification: Uncertain significance for Inborn genetic diseases. Last evaluated: 2025-06-23. Review status: criteria provided, single submitter. Criteria: Ambry Variant Classification Scheme 2023. Collection method: clinical testing. Allele origin: germline.

Laboratorio de Genetica e Diagnostico Molecular, Hospital Israelita Albert Einstein
Classification: Uncertain significance for Immunodeficiency, common variable, 12. Last evaluated: 2025-02-26. Review status: criteria provided, single submitter. Criteria: ACMG Guidelines, 2015. Collection method: clinical testing. Allele origin: germline. Affected: yes.
Comment: ACMG classification criteria: PM2 supporting, PP2 supporting

NM_003998.4(NFKB1):c.2578A>G (p.Met860Val)

Gene: NFKB1 (nuclear factor kappa B subunit 1; plus strand). Cytogenetic location: 4q24.
Variant type: single nucleotide variant.
Coding change: c.2578A>G on transcript NM_003998.4 (MANE Select); coding-DNA position 2578, A replaced by G.
Protein change: p.Met860Val; replaces methionine 860 with valine.
Molecular consequence: missense variant.
Genome position (GRCh38, 1-based): chr4:102,612,592, A>G. VCF-style: chr4-102612592-A-G. GRCh37 (hg19) VCF-style: chr4-103533749-A-G.
Other names: c.2575A>G, p.Met859Val (NM_001165412.2, NM_001319226.2, NM_001382627.1); c.2578A>G, p.Met860Val (NM_001382625.1, NM_001382626.1); c.2536A>G, p.Met846Val (NM_001382628.1); c.2578A>G (NM_003998.3); short protein forms M846V, M859V, M860V.
Identifiers: ClinVar variation 4056656 (VCV004056656.2).